The following is an entry in ClinVar:

NM_004698.4(PRPF3):c.1287C>G (p.Asp429Glu)

Gene: PRPF3 (pre-mRNA processing factor 3; plus strand). Cytogenetic location: 1q21.2.
Variant type: single nucleotide variant.
Coding change: c.1287C>G on transcript NM_004698.4 (MANE Select); coding-DNA position 1287, C replaced by G.
Protein change: p.Asp429Glu; replaces aspartic acid 429 with glutamic acid.
Molecular consequence: missense variant. On other transcripts: non-coding transcript variant (4).
Genome position (GRCh38, 1-based): chr1:150,343,313, C>G. VCF-style: chr1-150343313-C-G. GRCh37 (hg19) VCF-style: chr1-150315789-C-G.
Other names: c.882C>G, p.Asp294Glu (NM_001350529.1); short protein forms D429E, D294E.
Identifiers: ClinVar variation 1500906 (VCV001500906.8), dbSNP rs782511773, ClinGen allele CA1075600.

ClinVar aggregate classification (germline): Uncertain significance (1 of 4 stars; one submission).

Allele frequency attached by ClinVar (database versions not stated): gnomAD exomes below 0.00001 and 0.00001; ExAC 0.00001.
gnomAD v4.1: 2 of 1,609,574 alleles (0.00012%); highest among the groups gnomAD compares: Admixed American, 0.0033%; no homozygotes.

Submission:

Labcorp Genetics (formerly Invitae), Labcorp
Classification: Uncertain significance. Last evaluated: 2022-09-08. Review status: criteria provided, single submitter. Criteria: Invitae Variant Classification Sherloc (09022015). Collection method: clinical testing. Allele origin: germline.
Comment: In summary, the available evidence is currently insufficient to determine the role of this variant in disease. Therefore, it has been classified as a Variant of Uncertain Significance. Algorithms developed to predict the effect of missense changes on protein structure and function (SIFT, PolyPhen-2, Align-GVGD) all suggest that this variant is likely to be tolerated. ClinVar contains an entry for this variant (Variation ID: 1500906). This variant has not been reported in the literature in individuals affected with PRPF3-related conditions. This variant is present in population databases (rs782511773, gnomAD 0.006%). This sequence change replaces aspartic acid, which is acidic and polar, with glutamic acid, which is acidic and polar, at codon 429 of the PRPF3 protein (p.Asp429Glu).